The following is an entry in ClinVar:

NM_033641.4(COL4A6):c.1462_1464dup (p.Pro488_Asn489insPro)

Gene: COL4A6 (collagen type IV alpha 6 chain; minus strand). Cytogenetic location: Xq22.3.
Variant type: Duplication.
Coding change: c.1462_1464dup on transcript NM_033641.4 (MANE Select); coding-DNA positions 1462 to 1464, 3 bases duplicated (CCC; older notation c.1462_1464dupCCC).
Protein change: p.Pro488_Asn489insPro.
Molecular consequence: inframe insertion.
Genome position (GRCh38, 1-based): chrX:108,188,640-108,188,642, GGG duplicated on the plus strand (CCC on the coding strand, the reverse complement: COL4A6 is on the minus strand). VCF-style (leftmost placement, unchanged base first): chrX-108188639-T-TGGG. GRCh37 (hg19) VCF-style: chrX-107431869-T-TGGG.
Other names: c.1462_1464dup, p.Pro488_Asn489insPro (NM_001287758.2, NM_001287759.2, NM_001287760.2); c.1465_1467dup, p.Pro489_Asn490insPro (NM_001847.4).
Identifiers: ClinVar variation 2837949 (VCV002837949.3), dbSNP rs2522058730, ClinGen allele CA2739273675.

ClinVar aggregate classification (germline): Uncertain significance (1 of 4 stars; one submission).

Submission:

Labcorp Genetics (formerly Invitae), Labcorp
Classification: Uncertain significance. Last evaluated: 2023-02-16. Review status: criteria provided, single submitter. Criteria: Invitae Variant Classification Sherloc (09022015). Collection method: clinical testing. Allele origin: germline.
Comment: In summary, the available evidence is currently insufficient to determine the role of this variant in disease. Therefore, it has been classified as a Variant of Uncertain Significance. This variant has not been reported in the literature in individuals affected with COL4A6-related conditions. This variant is not present in population databases (gnomAD no frequency). This variant, c.1465_1467dup, results in the insertion of 1 amino acid(s) of the COL4A6 protein (p.Pro489dup), but otherwise preserves the integrity of the reading frame.